The following is an entry in ClinVar:

ClinVar aggregate classification (germline): Uncertain significance (1 of 4 stars; one submission).

Submission:

Center for Pediatric Genomic Medicine, Children's Mercy Hospital and Clinics
Classification: Uncertain significance. Last evaluated: 2017-01-16. Review status: criteria provided, single submitter. Criteria: ACMG Guidelines, 2015. Collection method: clinical testing. Allele origin: germline.
ClinVar note: Converted during submission from Uncertain Significance to Uncertain significance.

NM_001163809.2(WDR81):c.1543C>T (p.Pro515Ser)

Gene: WDR81 (WD repeat domain 81; plus strand). Cytogenetic location: 17p13.3.
Variant type: single nucleotide variant.
Coding change: c.1543C>T on transcript NM_001163809.2 (MANE Select); coding-DNA position 1543, C replaced by T.
Protein change: p.Pro515Ser; replaces proline 515 with serine.
Molecular consequence: missense variant. On other transcripts: intron variant (3).
Genome position (GRCh38, 1-based): chr17:1,726,502, C>T. VCF-style: chr17-1726502-C-T. GRCh37 (hg19) VCF-style: chr17-1629796-C-T.
Other names: c.-123-1488C>T (NM_152348.4); c.59-3878C>T (NM_001163673.2); c.-15+1716C>T (NM_001163811.2); short protein forms P515S.
Identifiers: ClinVar variation 377011 (VCV000377011.3), dbSNP rs1057520105, ClinGen allele CA16603230.